The following is an entry in ClinVar:

NM_000090.4(COL3A1):c.1758T>C (p.Asn586=)

Gene: COL3A1 (collagen type III alpha 1 chain; plus strand). Cytogenetic location: 2q32.2.
Variant type: single nucleotide variant.
Coding change: c.1758T>C on transcript NM_000090.4 (MANE Select); coding-DNA position 1758, T replaced by C.
Protein change: p.Asn586=; no amino-acid change (asparagine 586 retained).
Molecular consequence: synonymous variant.
Genome position (GRCh38, 1-based): chr2:188,996,493, T>C. VCF-style: chr2-188996493-T-C. GRCh37 (hg19) VCF-style: chr2-189861219-T-C.
Identifiers: ClinVar variation 546885 (VCV000546885.46), dbSNP rs756227982, ClinGen allele CA074604.

ClinVar aggregate classification (germline): Conflicting classifications of pathogenicity. Review status: criteria provided, conflicting classifications (1 of 4 stars). 3 submissions from 3 submitters: Uncertain significance (1); Likely benign (1). 1 of the submissions does not count toward it. Last evaluated 2018-11-08.

Conditions:
COL3A1-related disorder. Also called: COL3A1-related condition.
Familial thoracic aortic aneurysm and aortic dissection (TAAD). Also called: Thoracic aortic aneurysms and dissections. Identifiers: Orphanet 91387, MedGen C4707243, MONDO:0019625.

Allele frequency attached by ClinVar (database versions not stated): gnomAD exomes below 0.00001 and 0.00001; ExAC 0.00001.

Submissions (3):

Color Diagnostics, LLC DBA Color Health
Classification: Likely benign for Familial thoracic aortic aneurysm and aortic dissection. Last evaluated: 2018-11-08. Review status: criteria provided, single submitter. Criteria: ACMG Guidelines, 2015. Collection method: clinical testing. Allele origin: germline.

CeGaT Center for Human Genetics Tuebingen
Classification: Uncertain significance. Last evaluated: 2018-01-01. Review status: criteria provided, single submitter. Criteria: CeGaT Center For Human Genetics Tuebingen Variant Classification Criteria Version 2. Collection method: clinical testing. Allele origin: germline. Affected: yes. Observed: 1 variant allele.

PreventionGenetics, part of Exact Sciences
Classification: Likely benign for COL3A1-related condition. Last evaluated: 2021-10-07. Review status: no assertion criteria provided. Collection method: clinical testing. Allele origin: germline. Not counted in ClinVar's aggregate classification.
Comment: This variant is classified as likely benign based on ACMG/AMP sequence variant interpretation guidelines (Richards et al. 2015 PMID: 25741868, with internal and published modifications).